The following is an entry in ClinVar:

NM_001034853.2(RPGR):c.1831G>A (p.Glu611Lys)

Gene: RPGR (retinitis pigmentosa GTPase regulator; minus strand). Cytogenetic location: Xp11.4.
Variant type: single nucleotide variant.
Coding change: c.1831G>A on transcript NM_001034853.2 (MANE Select); coding-DNA position 1831, G replaced by A.
Protein change: p.Glu611Lys; replaces glutamic acid 611 with lysine.
Molecular consequence: missense variant. On other transcripts: non-coding transcript variant (2), intron variant (5).
Genome position (GRCh38, 1-based): chrX:38,287,168, C>T on the plus strand (G>A on the coding strand, the complement: RPGR is on the minus strand). VCF-style: chrX-38287168-C-T. GRCh37 (hg19) VCF-style: chrX-38146421-C-T.
Other names: c.1831G>A, p.Glu611Lys (NM_000328.3); c.1828G>A, p.Glu610Lys (NM_001367245.1); c.1645G>A, p.Glu549Lys (NM_001367246.1); c.1569+3791G>A (NM_001367249.1, NM_001367250.1); c.1386+3791G>A (NM_001367251.1); c.1572+3791G>A (NM_001367247.1); c.1602+3791G>A (NM_001367248.1); short protein forms E611K, E549K, E610K.
Identifiers: ClinVar variation 3634880 (VCV003634880.2).

ClinVar aggregate classification (germline): Uncertain significance (1 of 4 stars; one submission).

Conditions:
Primary ciliary dyskinesia. Also called: Ciliary dyskinesia. Identifiers: Orphanet 244, MedGen C0008780, MONDO:0016575, HP:0012265.

Submission:

Labcorp Genetics (formerly Invitae), Labcorp
Classification: Uncertain significance for Primary ciliary dyskinesia. Last evaluated: 2024-04-29. Review status: criteria provided, single submitter. Criteria: Invitae Variant Classification Sherloc (09022015). Collection method: clinical testing. Allele origin: germline.
Comment: This sequence change replaces glutamic acid, which is acidic and polar, with lysine, which is basic and polar, at codon 611 of the RPGR protein (p.Glu611Lys). This variant is not present in population databases (gnomAD no frequency). This variant has not been reported in the literature in individuals affected with RPGR-related conditions. Advanced modeling of protein sequence and biophysical properties (such as structural, functional, and spatial information, amino acid conservation, physicochemical variation, residue mobility, and thermodynamic stability) performed at Invitae indicates that this missense variant is not expected to disrupt RPGR protein function with a negative predictive value of 95%. In summary, the available evidence is currently insufficient to determine the role of this variant in disease. Therefore, it has been classified as a Variant of Uncertain Significance.